The following is an entry in ClinVar:

NM_003722.5(TP63):c.425G>A (p.Ser142Asn)

Gene: TP63 (tumor protein p63; plus strand). Cytogenetic location: 3q28.
Variant type: single nucleotide variant.
Coding change: c.425G>A on transcript NM_003722.5 (MANE Select); coding-DNA position 425, G replaced by A.
Protein change: p.Ser142Asn; replaces serine 142 with asparagine.
Molecular consequence: missense variant. On other transcripts: intron variant (2).
Genome position (GRCh38, 1-based): chr3:189,808,372, G>A. VCF-style: chr3-189808372-G-A. GRCh37 (hg19) VCF-style: chr3-189526161-G-A.
Other names: c.425G>A, p.Ser142Asn (NM_001114978.2, NM_001114979.2, NM_001329144.2 and 1 more transcripts); c.143G>A, p.Ser48Asn (NM_001114980.2, NM_001114981.2, NM_001114982.2 and 2 more transcripts); c.419G>A, p.Ser140Asn (NM_001329964.2); c.42+18530G>A (NM_001329146.2, NM_001329150.2); short protein forms S140N, S142N, S48N.
Identifiers: ClinVar variation 3370542 (VCV003370542.1).

ClinVar aggregate classification (germline): Uncertain significance (1 of 4 stars; one submission).

Submission:

GeneDx
Classification: Uncertain significance. Last evaluated: 2024-03-04. Review status: criteria provided, single submitter. Criteria: GeneDx Variant Classification Process June 2021. Collection method: clinical testing. Allele origin: germline. Affected: yes.
Comment: Not observed at significant frequency in large population cohorts (gnomAD); In silico analysis supports that this missense variant does not alter protein structure/function; Has not been previously published as pathogenic or benign to our knowledge